The following is an entry in ClinVar:

NM_000199.5(SGSH):c.793G>A (p.Asp265Asn)

Gene: SGSH (N-sulfoglucosamine sulfohydrolase; minus strand). Cytogenetic location: 17q25.3.
Variant type: single nucleotide variant.
Coding change: c.793G>A on transcript NM_000199.5 (MANE Select); coding-DNA position 793, G replaced by A.
Protein change: p.Asp265Asn; replaces aspartic acid 265 with asparagine.
Molecular consequence: missense variant. On other transcripts: non-coding transcript variant (1).
Genome position (GRCh38, 1-based): chr17:80,212,227, C>T on the plus strand (G>A on the coding strand, the complement: SGSH is on the minus strand). VCF-style: chr17-80212227-C-T. GRCh37 (hg19) VCF-style: chr17-78186026-C-T.
Other names: c.793G>A, p.Asp265Asn (NM_001352921.3, NM_001352922.2); short protein forms D265N.
Identifiers: ClinVar variation 1477945 (VCV001477945.5), dbSNP rs1350874932, ClinGen allele CA401360014.

ClinVar aggregate classification (germline): Uncertain significance (1 of 4 stars; one submission).

Conditions:
Mucopolysaccharidosis, MPS-III-A (MPS3A). Also called: HEPARAN SULFATE SULFATASE DEFICIENCY; SANFILIPPO SYNDROME A; SULFAMIDASE DEFICIENCY; MPS III A; MPS IIIA (Sanfilippo Syndrome Type A); Mucopolysaccharidosis type IIIA (Sanfilippo A). Identifiers: Orphanet 581, Orphanet 79269, MedGen C0086647, MONDO:0009655, OMIM 252900.

Allele frequency attached by ClinVar (database versions not stated): gnomAD exomes below 0.00001 and 0.00001.

Submission:

Labcorp Genetics (formerly Invitae), Labcorp
Classification: Uncertain significance for Mucopolysaccharidosis, MPS-III-A. Last evaluated: 2022-09-12. Review status: criteria provided, single submitter. Criteria: Invitae Variant Classification Sherloc (09022015). Collection method: clinical testing. Allele origin: germline.
Comment: This sequence change replaces aspartic acid, which is acidic and polar, with asparagine, which is neutral and polar, at codon 265 of the SGSH protein (p.Asp265Asn). This variant is present in population databases (no rsID available, gnomAD 0.003%). This variant has not been reported in the literature in individuals affected with SGSH-related conditions. ClinVar contains an entry for this variant (Variation ID: 1477945). Algorithms developed to predict the effect of missense changes on protein structure and function output the following: SIFT: "Deleterious"; PolyPhen-2: "Benign"; Align-GVGD: "Class C0". The asparagine amino acid residue is found in multiple mammalian species, which suggests that this missense change does not adversely affect protein function. In summary, the available evidence is currently insufficient to determine the role of this variant in disease. Therefore, it has been classified as a Variant of Uncertain Significance.